The following is an entry in ClinVar:

ClinVar aggregate classification (germline): Uncertain significance. Review status: criteria provided, multiple submitters, no conflicts (2 of 4 stars). 3 submissions from 3 submitters: Uncertain significance (3). Last evaluated 2024-02-09.

Conditions:
Inborn genetic diseases. Identifiers: MedGen C0950123, MeSH D030342.
Developmental and epileptic encephalopathy, 50 (DEE50). Also called: Epileptic encephalopathy, early infantile, 50. Identifiers: Orphanet 448010, MedGen C4225320, MONDO:0014647, OMIM 616457.

Allele frequency attached by ClinVar (database versions not stated): ExAC 0.00007; ESP Exome Variant Server 0.00008; gnomAD exomes 0.00009; TOPMed 0.00009.

Submissions (3):

Fulgent Genetics
Classification: Uncertain significance for Developmental and epileptic encephalopathy, 50. Last evaluated: 2024-02-09. Review status: criteria provided, single submitter. Criteria: ACMG Guidelines, 2015. Collection method: clinical testing. Allele origin: germline.

Labcorp Genetics (formerly Invitae), Labcorp
Classification: Uncertain significance. Last evaluated: 2022-07-11. Review status: criteria provided, single submitter. Criteria: Invitae Variant Classification Sherloc (09022015). Collection method: clinical testing. Allele origin: germline.
Comment: This sequence change replaces arginine, which is basic and polar, with histidine, which is basic and polar, at codon 842 of the CAD protein (p.Arg842His). The frequency data for this variant in the population databases is considered unreliable, as metrics indicate poor data quality at this position in the gnomAD database. This variant has not been reported in the literature in individuals affected with CAD-related conditions. ClinVar contains an entry for this variant (Variation ID: 1445864). Algorithms developed to predict the effect of missense changes on protein structure and function output the following: SIFT: "Tolerated"; PolyPhen-2: "Benign"; Align-GVGD: "Class C0". The histidine amino acid residue is found in multiple mammalian species, which suggests that this missense change does not adversely affect protein function. In summary, the available evidence is currently insufficient to determine the role of this variant in disease. Therefore, it has been classified as a Variant of Uncertain Significance.

Ambry Genetics
Classification: Uncertain significance for Inborn genetic diseases. Last evaluated: 2021-06-11. Review status: criteria provided, single submitter. Criteria: Ambry Variant Classification Scheme 2023. Collection method: clinical testing. Allele origin: germline.

NM_004341.5(CAD):c.2525G>A (p.Arg842His)

Genes: CAD (carbamoyl-phosphate synthetase 2, aspartate transcarbamylase, and dihydroorotase; plus strand), LOC126806171 (BRD4-independent group 4 enhancer GRCh37_chr2:27454350-27455549; plus strand). Cytogenetic location: 2p23.3.
Variant type: single nucleotide variant.
Coding change: c.2525G>A on transcript NM_004341.5 (MANE Select); coding-DNA position 2525, G replaced by A.
Protein change: p.Arg842His; replaces arginine 842 with histidine.
Molecular consequence: missense variant.
Genome position (GRCh38, 1-based): chr2:27,232,104, G>A. VCF-style: chr2-27232104-G-A. GRCh37 (hg19) VCF-style: chr2-27454972-G-A.
Other names: c.2336G>A, p.Arg779His (NM_001306079.2); c.2525G>A (NM_004341.3); short protein forms R779H, R842H.
Identifiers: ClinVar variation 1445864 (VCV001445864.7), dbSNP rs199908899, ClinGen allele CA1573039.